The following is an entry in ClinVar:

ClinVar aggregate classification (germline): Likely benign. Review status: criteria provided, multiple submitters, no conflicts (2 of 4 stars). 6 submissions from 6 submitters: Likely benign (6). Last evaluated 2025-07-24.

Conditions:
Cardiovascular phenotype. Identifiers: MedGen CN230736.
Cardiomyopathy, dilated, with wooly hair, keratoderma, and tooth agenesis. Also called: Erythrokeratodermia-cardiomyopathy syndrome; Cardiomyopathy, dilated, with woolly hair, keratoderma, and tooth agenesis. Identifiers: Orphanet 476096, Orphanet 65282, MedGen C4014393, MONDO:0014355, OMIM 615821.
Arrhythmogenic right ventricular dysplasia 8 (ARVD8). Also called: Arrhythmogenic Right Ventricular Dysplasia/Cardiomyopathy 8; ARRHYTHMOGENIC RIGHT VENTRICULAR DYSPLASIA, FAMILIAL, 8; ARRHYTHMOGENIC RIGHT VENTRICULAR CARDIOMYOPATHY 8. Identifiers: MedGen C1843896, MONDO:0011831, OMIM 607450.
Keratosis palmoplantaris striata 2. Also called: KERATODERMA, PALMOPLANTAR, STRIATE FORM II; STRIATE PALMOPLANTAR KERATODERMA II; Keratosis palmoplantaris striata II. Identifiers: MedGen C1852127, MONDO:0013034, OMIM 612908.
Arrhythmogenic cardiomyopathy with wooly hair and keratoderma. Also called: Carvajal syndrome; PALMOPLANTAR KERATODERMA WITH LEFT VENTRICULAR CARDIOMYOPATHY AND WOOLLY HAIR; Arrhythmogenic cardiomyopathy with woolly hair and keratoderma; Dilated cardiomyopathy with woolly hair and keratoderma. Identifiers: Orphanet 65282, MedGen C1854063, MONDO:0011581, OMIM 605676.
Lethal acantholytic epidermolysis bullosa (EBLA). Identifiers: Orphanet 158687, MedGen C1864826, MONDO:0012323, OMIM 609638.
Woolly hair-skin fragility syndrome (WHSF). Identifiers: Orphanet 293165, MedGen C1843292, MONDO:0957307, OMIM 620415.
Cardiomyopathy (CMYO). Also called: Cardiomyopathies. Identifiers: Orphanet 167848, MedGen C0878544, MONDO:0004994, HP:0001638. Inheritance: Various modes of inheritance.

Allele frequency attached by ClinVar (database versions not stated): gnomAD exomes below 0.00001 and 0.00001; ExAC 0.00002; gnomAD 0.00003 and 0.00004; TOPMed 0.00004; ESP Exome Variant Server 0.00008.
gnomAD v4.1: 6 of 1,614,126 alleles (0.00037%); highest among the groups gnomAD compares: African/African-American, 0.008%; no homozygotes.

Submissions (6):

Women's Health and Genetics/Laboratory Corporation of America, LabCorp
Classification: Likely benign. Last evaluated: 2025-07-24. Review status: criteria provided, single submitter. Criteria: LabCorp Variant Classification Summary - May 2015. Collection method: clinical testing. Allele origin: germline.

Labcorp Genetics (formerly Invitae), Labcorp
Classification: Likely benign for Arrhythmogenic cardiomyopathy with wooly hair and keratoderma; Arrhythmogenic right ventricular dysplasia 8. Last evaluated: 2025-07-20. Review status: criteria provided, single submitter. Criteria: Invitae Variant Classification Sherloc (09022015). Collection method: clinical testing. Allele origin: germline.

All of Us Research Program, National Institutes of Health
Classification: Likely benign for Arrhythmogenic cardiomyopathy with wooly hair and keratoderma. Last evaluated: 2023-12-01. Review status: criteria provided, single submitter. Criteria: ACMG Guidelines, 2015. Collection method: clinical testing. Allele origin: germline. Inheritance: Autosomal dominant inheritance. Observed: 2 variant alleles, 2 heterozygotes.
Comment: This study involves interpretation of variants in research participants for the purpose of population health screening. Participant phenotype was not available at the time of variant classification. Additional details can be found in publication PMID: 35346344, PMCID: PMC8962531

Fulgent Genetics
Classification: Likely benign for Arrhythmogenic cardiomyopathy with wooly hair and keratoderma; Arrhythmogenic right ventricular dysplasia 8; Lethal acantholytic epidermolysis bullosa; Keratosis palmoplantaris striata 2; Cardiomyopathy, dilated, with wooly hair, keratoderma, and tooth agenesis. Last evaluated: 2021-08-23. Review status: criteria provided, single submitter. Criteria: ACMG Guidelines, 2015. Collection method: clinical testing. Allele origin: unknown.

Ambry Genetics
Classification: Likely benign for Cardiovascular phenotype. Last evaluated: 2021-06-25. Review status: criteria provided, single submitter. Criteria: Ambry Variant Classification Scheme 2023. Collection method: clinical testing. Allele origin: germline.

Color Diagnostics, LLC DBA Color Health
Classification: Likely benign for Cardiomyopathy. Last evaluated: 2020-02-09. Review status: criteria provided, single submitter. Criteria: ACMG Guidelines, 2015. Collection method: clinical testing. Allele origin: germline.

NM_004415.4(DSP):c.1443G>A (p.Glu481=)

Gene: DSP (desmoplakin; plus strand). Cytogenetic location: 6p24.3.
Variant type: single nucleotide variant.
Coding change: c.1443G>A on transcript NM_004415.4 (MANE Select); coding-DNA position 1443, G replaced by A.
Protein change: p.Glu481=; no amino-acid change (glutamic acid 481 retained).
Molecular consequence: synonymous variant.
Genome position (GRCh38, 1-based): chr6:7,569,209, G>A. VCF-style: chr6-7569209-G-A. GRCh37 (hg19) VCF-style: chr6-7569442-G-A.
Other names: c.1443G>A, p.Glu481= (NM_001008844.3, NM_001319034.2).
Identifiers: ClinVar variation 759546 (VCV000759546.18), dbSNP rs149126992, ClinGen allele CA028226.